The following is an entry in ClinVar:

NM_002528.7(NTHL1):c.216G>T (p.Glu72Asp)

Gene: NTHL1 (nth like DNA glycosylase 1; minus strand). Cytogenetic location: 16p13.3.
Variant type: single nucleotide variant.
Coding change: c.216G>T on transcript NM_002528.7 (MANE Select); coding-DNA position 216, G replaced by T.
Protein change: p.Glu72Asp; replaces glutamic acid 72 with aspartic acid.
Molecular consequence: missense variant. On other transcripts: intron variant (1).
Genome position (GRCh38, 1-based): chr16:2,046,266, C>A on the plus strand (G>T on the coding strand, the complement: NTHL1 is on the minus strand). VCF-style: chr16-2046266-C-A. GRCh37 (hg19) VCF-style: chr16-2096267-C-A.
Other names: c.216G>T, p.Glu72Asp (NM_001318193.2); c.24+14G>T (NM_001318194.2); short protein forms E72D.
Identifiers: ClinVar variation 2586102 (VCV002586102.2), dbSNP rs1226069436, ClinGen allele CA394297476.

ClinVar aggregate classification (germline): Uncertain significance (1 of 4 stars; one submission).

Conditions:
Hereditary cancer-predisposing syndrome. Also called: Hereditary neoplastic syndrome; Tumor predisposition; Hereditary Cancer Syndrome; Neoplastic Syndromes, Hereditary. Identifiers: Orphanet 140162, MedGen C0027672, MeSH D009386, MONDO:0015356.

Allele frequency attached by ClinVar (database versions not stated): gnomAD exomes below 0.00001.
gnomAD v4.1: 2 of 1,613,280 alleles (0.00012%); highest among the groups gnomAD compares: Non-Finnish European, 0.00017%; no homozygotes.

Submission:

Ambry Genetics
Classification: Uncertain significance for Hereditary cancer-predisposing syndrome. Last evaluated: 2023-08-25. Review status: criteria provided, single submitter. Criteria: Ambry Variant Classification Scheme 2023. Collection method: clinical testing. Allele origin: germline.
Comment: The p.E80D variant (also known as c.240G>T), located in coding exon 2 of the NTHL1 gene, results from a G to T substitution at nucleotide position 240. The glutamic acid at codon 80 is replaced by aspartic acid, an amino acid with highly similar properties. This amino acid position is conserved. In addition, this alteration is predicted to be tolerated by in silico analysis. Since supporting evidence is limited at this time, the clinical significance of this alteration remains unclear.